The following is an entry in ClinVar:

ClinVar aggregate classification (germline): Conflicting classifications of pathogenicity. Review status: criteria provided, conflicting classifications (1 of 4 stars). 3 submissions from 3 submitters: Uncertain significance (2); Likely benign (1). Last evaluated 2025-09-15.

Conditions:
Inborn genetic diseases. Identifiers: MedGen C0950123, MeSH D030342.

Allele frequency attached by ClinVar (database versions not stated): gnomAD exomes 0.00002 and 0.00019.
gnomAD v4.1: 263 of 1,409,268 alleles (0.019%); highest among the groups gnomAD compares: Non-Finnish European, 0.023%; no homozygotes.

Submissions (3):

Labcorp Genetics (formerly Invitae), Labcorp
Classification: Likely benign. Last evaluated: 2025-09-15. Review status: criteria provided, single submitter. Criteria: Invitae Variant Classification Sherloc (09022015). Collection method: clinical testing. Allele origin: germline.

Ambry Genetics
Classification: Uncertain significance for Inborn genetic diseases. Last evaluated: 2022-09-30. Review status: criteria provided, single submitter. Criteria: Ambry Variant Classification Scheme 2023. Collection method: clinical testing. Allele origin: germline.
Comment: Unlikely to be causative of Vulto-van Silfout-de Vries syndrome (AD) Based on insufficient or conflicting evidence, the clinical significance of this alteration remains unclear.

Breakthrough Genomics
Classification: Uncertain significance. Review status: criteria provided, single submitter. Criteria: ACMG Guidelines, 2015. Collection method: not provided. Allele origin: germline. Inheritance: Autosomal recessive inheritance. Affected: yes.

NM_021008.4(DEAF1):c.244G>A (p.Ala82Thr)

Gene: DEAF1 (DEAF1 transcription factor; minus strand). Cytogenetic location: 11p15.5.
Variant type: single nucleotide variant.
Coding change: c.244G>A on transcript NM_021008.4 (MANE Select); coding-DNA position 244, G replaced by A.
Protein change: p.Ala82Thr; replaces alanine 82 with threonine.
Molecular consequence: missense variant. On other transcripts: intron variant (1).
Genome position (GRCh38, 1-based): chr11:694,804, C>T on the plus strand (G>A on the coding strand, the complement: DEAF1 is on the minus strand). VCF-style: chr11-694804-C-T. GRCh37 (hg19) VCF-style: chr11-694804-C-T.
Other names: c.244G>A, p.Ala82Thr (NM_001293634.2); c.-437-3206G>A (NM_001367390.1); short protein forms A82T.
Identifiers: ClinVar variation 1347878 (VCV001347878.8), dbSNP rs751324313, ClinGen allele CA5786619.